The following is an entry in ClinVar:

ClinVar aggregate classification (germline): Uncertain significance. Review status: criteria provided, multiple submitters, no conflicts (2 of 4 stars). 2 submissions from 2 submitters: Uncertain significance (2). Last evaluated 2023-03-22.

Conditions:
Familial hypocalciuric hypercalcemia (FHH). Also called: Familial benign hypercalcemia. Identifiers: Orphanet 405, MedGen C1809471, MONDO:0018458.
Autosomal dominant hypocalcemia 1 (HYPOC1). Also called: HYPOCALCEMIA, FAMILIAL. Identifiers: MedGen C3715128, MONDO:0011013, OMIM 601198.
Nephrolithiasis/nephrocalcinosis. Identifiers: MedGen CN580796.

Submissions (2):

Ambry Genetics
Classification: Uncertain significance for Nephrolithiasis/nephrocalcinosis. Last evaluated: 2023-03-22. Review status: criteria provided, single submitter. Criteria: Ambry Variant Classification Scheme 2023. Collection method: clinical testing. Allele origin: germline.
Comment: The p.W608C variant (also known as c.1824G>C), located in coding exon 6 of the CASR gene, results from a G to C substitution at nucleotide position 1824. The tryptophan at codon 608 is replaced by cysteine, an amino acid with highly dissimilar properties. This amino acid position is conserved. In addition, this alteration is predicted to be deleterious by in silico analysis. Since supporting evidence is limited at this time, the clinical significance of this alteration remains unclear.

Labcorp Genetics (formerly Invitae), Labcorp
Classification: Uncertain significance for Familial hypocalciuric hypercalcemia; Autosomal dominant hypocalcemia 1. Last evaluated: 2022-02-23. Review status: criteria provided, single submitter. Criteria: Invitae Variant Classification Sherloc (09022015). Collection method: clinical testing. Allele origin: germline.
Comment: This variant is not present in population databases (gnomAD no frequency). This sequence change replaces tryptophan, which is neutral and slightly polar, with cysteine, which is neutral and slightly polar, at codon 608 of the CASR protein (p.Trp608Cys). This variant has not been reported in the literature in individuals affected with CASR-related conditions. Algorithms developed to predict the effect of missense changes on protein structure and function (SIFT, PolyPhen-2, Align-GVGD) all suggest that this variant is likely to be disruptive. In summary, the available evidence is currently insufficient to determine the role of this variant in disease. Therefore, it has been classified as a Variant of Uncertain Significance.

NM_000388.4(CASR):c.1824G>C (p.Trp608Cys)

Gene: CASR (calcium sensing receptor; plus strand). Cytogenetic location: 3q21.1.
Variant type: single nucleotide variant.
Coding change: c.1824G>C on transcript NM_000388.4 (MANE Select); coding-DNA position 1824, G replaced by C.
Protein change: p.Trp608Cys; replaces tryptophan 608 with cysteine.
Molecular consequence: missense variant.
Genome position (GRCh38, 1-based): chr3:122,283,778, G>C. VCF-style: chr3-122283778-G-C. GRCh37 (hg19) VCF-style: chr3-122002625-G-C.
Other names: c.1854G>C, p.Trp618Cys (NM_001178065.2); c.1824G>C (NM_000388.3); short protein forms W618C, W608C.
Identifiers: ClinVar variation 2181005 (VCV002181005.5), dbSNP rs2473276403, ClinGen allele CA354157501.